The following is an entry in ClinVar:

ClinVar aggregate classification (germline): Uncertain significance (1 of 4 stars; one submission).

Conditions:
Hereditary cancer-predisposing syndrome. Also called: Hereditary neoplastic syndrome; Hereditary Cancer Syndrome; Neoplastic Syndromes, Hereditary; Tumor predisposition. Identifiers: Orphanet 140162, MedGen C0027672, MeSH D009386, MONDO:0015356.

Submission:

Ambry Genetics
Classification: Uncertain significance for Hereditary cancer-predisposing syndrome. Last evaluated: 2023-04-11. Review status: criteria provided, single submitter. Criteria: Ambry Variant Classification Scheme 2023. Collection method: clinical testing. Allele origin: germline.
Comment: The p.D651N variant (also known as c.1951G>A), located in coding exon 14 of the APC gene, results from a G to A substitution at nucleotide position 1951. The aspartic acid at codon 651 is replaced by asparagine, an amino acid with highly similar properties. This amino acid position is conserved. In addition, in silico predictors for this gene do not accurately predict pathogenicity. Since supporting evidence is limited at this time, the clinical significance of this alteration remains unclear.

NM_000038.6(APC):c.1951G>A (p.Asp651Asn)

Gene: APC (APC regulator of Wnt signaling pathway; plus strand). Cytogenetic location: 5q22.2.
Variant type: single nucleotide variant.
Coding change: c.1951G>A on transcript NM_000038.6 (MANE Select); coding-DNA position 1951, G replaced by A.
Protein change: p.Asp651Asn; replaces aspartic acid 651 with asparagine.
Molecular consequence: missense variant. On other transcripts: non-coding transcript variant (2).
Genome position (GRCh38, 1-based): chr5:112,835,158, G>A. VCF-style: chr5-112835158-G-A. GRCh37 (hg19) VCF-style: chr5-112170855-G-A.
Other names: c.1951G>A, p.Asp651Asn (NM_001127510.3, NM_001354895.2, NM_001407450.1); c.1897G>A, p.Asp633Asn (NM_001127511.3); c.2005G>A, p.Asp669Asn (NM_001354896.2, NM_001407447.1, NM_001407448.1 and 1 more transcripts); c.1981G>A, p.Asp661Asn (NM_001354897.2); c.1876G>A, p.Asp626Asn (NM_001354898.2); c.1867G>A, p.Asp623Asn (NM_001354899.2); c.1828G>A, p.Asp610Asn (NM_001354900.2); c.1774G>A, p.Asp592Asn (NM_001354901.2, NM_001407453.1); and 11 more; short protein forms D491N, D610N, D267N, D522N, D525N, D560N, D651N, D669N.
Identifiers: ClinVar variation 2566962 (VCV002566962.2), dbSNP rs1232571229, ClinGen allele CA16025580.